The following is an entry in ClinVar:

NM_002941.4(ROBO1):c.3854T>G (p.Met1285Arg)

Gene: ROBO1 (roundabout guidance receptor 1; minus strand). Cytogenetic location: 3p12.3.
Variant type: single nucleotide variant.
Coding change: c.3854T>G on transcript NM_002941.4 (MANE Select); coding-DNA position 3854, T replaced by G.
Protein change: p.Met1285Arg; replaces methionine 1285 with arginine.
Molecular consequence: missense variant.
Genome position (GRCh38, 1-based): chr3:78,627,342, A>C on the plus strand (T>G on the coding strand, the complement: ROBO1 is on the minus strand). VCF-style: chr3-78627342-A-C. GRCh37 (hg19) VCF-style: chr3-78676492-A-C.
Other names: c.3854T>G (NM_002941.3); c.3719T>G, p.Met1240Arg (NM_001145844.1, NM_133631.4); c.3554T>G, p.Met1185Arg (NM_001145845.2); short protein forms M1240R, M1185R, M1285R.
Identifiers: ClinVar variation 2890989 (VCV002890989.4), dbSNP rs375203635, ClinGen allele CA2498262.
Genomic context (GRCh38, chr3:78,627,342, plus strand): 5'-TATCTGATTTGTTAGCAAAGAAGGCTAGTGACAACATACCTCCTGTCGGGCTGGTGCTGC[A>C]TGTGGCCAGTCTCCTCTGGACAATCCTGTAACATGGGCTGGAGTTCTTCCTGTGGGGAGG-3'
Protein context (NP_002932.1, residues 1275-1295): LQDCPEETGH[Met1285Arg]QHQPDRRRQP

ClinVar aggregate classification (germline): Uncertain significance. Review status: criteria provided, multiple submitters, no conflicts (2 of 4 stars). 2 submissions from 2 submitters: Uncertain significance (2). Last evaluated 2025-04-28.

Conditions:
Inborn genetic diseases. Identifiers: MedGen C0950123, MeSH D030342.

Allele frequency attached by ClinVar (database versions not stated): gnomAD exomes 0.00005; TOPMed 0.00005; ESP Exome Variant Server 0.00008; gnomAD 0.00006; ExAC 0.00002.

Submissions (2):

Labcorp Genetics (formerly Invitae), Labcorp
Classification: Uncertain significance. Last evaluated: 2025-04-28. Review status: criteria provided, single submitter. Criteria: Invitae Variant Classification Sherloc (09022015). Collection method: clinical testing. Allele origin: germline.
Comment: This sequence change replaces methionine, which is neutral and non-polar, with arginine, which is basic and polar, at codon 1285 of the ROBO1 protein (p.Met1285Arg). This variant is present in population databases (rs375203635, gnomAD 0.008%). This variant has not been reported in the literature in individuals affected with ROBO1-related conditions. ClinVar contains an entry for this variant (Variation ID: 2890989). Invitae Evidence Modeling of protein sequence and biophysical properties (such as structural, functional, and spatial information, amino acid conservation, physicochemical variation, residue mobility, and thermodynamic stability) indicates that this missense variant is not expected to disrupt ROBO1 protein function with a negative predictive value of 95%. In summary, the available evidence is currently insufficient to determine the role of this variant in disease. Therefore, it has been classified as a Variant of Uncertain Significance.

Ambry Genetics
Classification: Uncertain significance for Inborn genetic diseases. Last evaluated: 2023-11-14. Review status: criteria provided, single submitter. Criteria: Ambry Variant Classification Scheme 2023. Collection method: clinical testing. Allele origin: germline.